The following is an entry in ClinVar:

NM_016151.4(TAOK2):c.1664G>A (p.Arg555Gln)

Gene: TAOK2 (TAO kinase 2; plus strand). Cytogenetic location: 16p11.2.
Variant type: single nucleotide variant.
Coding change: c.1664G>A on transcript NM_016151.4 (MANE Select); coding-DNA position 1664, G replaced by A.
Protein change: p.Arg555Gln; replaces arginine 555 with glutamine.
Molecular consequence: missense variant.
Genome position (GRCh38, 1-based): chr16:29,985,454, G>A. VCF-style: chr16-29985454-G-A. GRCh37 (hg19) VCF-style: chr16-29996775-G-A.
Other names: c.1664G>A, p.Arg555Gln (NM_001252043.2, NM_004783.4); short protein forms R555Q.
Identifiers: ClinVar variation 1382150 (VCV001382150.6), dbSNP rs759153586, ClinGen allele CA395486304.

ClinVar aggregate classification (germline): Uncertain significance (1 of 4 stars; one submission).

gnomAD v4.1: 3 of 1,611,856 alleles (0.00019%); highest among the groups gnomAD compares: Admixed American, 0.0017%; no homozygotes.

Submission:

Labcorp Genetics (formerly Invitae), Labcorp
Classification: Uncertain significance. Last evaluated: 2025-04-30. Review status: criteria provided, single submitter. Criteria: Invitae Variant Classification Sherloc (09022015). Collection method: clinical testing. Allele origin: germline.
Comment: This sequence change replaces arginine, which is basic and polar, with glutamine, which is neutral and polar, at codon 555 of the TAOK2 protein (p.Arg555Gln). This variant is not present in population databases (gnomAD no frequency). This variant has not been reported in the literature in individuals affected with TAOK2-related conditions. ClinVar contains an entry for this variant (Variation ID: 1382150). An algorithm developed to predict the effect of missense changes on protein structure and function (PolyPhen-2) suggests that this variant is likely to be disruptive. In summary, the available evidence is currently insufficient to determine the role of this variant in disease. Therefore, it has been classified as a Variant of Uncertain Significance.